The following is an entry in ClinVar:

ClinVar aggregate classification (germline): Uncertain significance (1 of 4 stars; one submission).

Conditions:
Baller-Gerold syndrome (BGS). Also called: CRANIOSYNOSTOSIS WITH RADIAL DEFECTS. Identifiers: Orphanet 1225, MedGen C0265308, MONDO:0009039, OMIM 218600.

gnomAD v4.1: 1 of 1,611,164 alleles (0.000062%); highest among the groups gnomAD compares: African/African-American, 0.0013%; no homozygotes.

Submission:

Labcorp Genetics (formerly Invitae), Labcorp
Classification: Uncertain significance for Baller-Gerold syndrome. Last evaluated: 2024-04-23. Review status: criteria provided, single submitter. Criteria: Invitae Variant Classification Sherloc (09022015). Collection method: clinical testing. Allele origin: germline.
Comment: This sequence change replaces proline, which is neutral and non-polar, with threonine, which is neutral and polar, at codon 591 of the RECQL4 protein (p.Pro591Thr). This variant is not present in population databases (gnomAD no frequency). This variant has not been reported in the literature in individuals affected with RECQL4-related conditions. ClinVar contains an entry for this variant (Variation ID: 1500691). Advanced modeling of protein sequence and biophysical properties (such as structural, functional, and spatial information, amino acid conservation, physicochemical variation, residue mobility, and thermodynamic stability) performed at Invitae indicates that this missense variant is not expected to disrupt RECQL4 protein function with a negative predictive value of 80%. In summary, the available evidence is currently insufficient to determine the role of this variant in disease. Therefore, it has been classified as a Variant of Uncertain Significance.

NM_004260.4(RECQL4):c.1771C>A (p.Pro591Thr)

Gene: RECQL4 (RecQ like helicase 4; minus strand). Cytogenetic location: 8q24.3.
Variant type: single nucleotide variant.
Coding change: c.1771C>A on transcript NM_004260.4 (MANE Select); coding-DNA position 1771, C replaced by A.
Protein change: p.Pro591Thr; replaces proline 591 with threonine.
Molecular consequence: missense variant.
Genome position (GRCh38, 1-based): chr8:144,514,296, G>T on the plus strand (C>A on the coding strand, the complement: RECQL4 is on the minus strand). VCF-style: chr8-144514296-G-T. GRCh37 (hg19) VCF-style: chr8-145739680-G-T.
Other names: short protein forms P591T.
Identifiers: ClinVar variation 1500691 (VCV001500691.6), dbSNP rs909777665, ClinGen allele CA372681008.